The following is an entry in ClinVar:

ClinVar aggregate classification (germline): Benign (1 of 4 stars; one submission).

Submission:

Women's Health and Genetics/Laboratory Corporation of America, LabCorp
Classification: Benign. Last evaluated: 2019-11-05. Review status: criteria provided, single submitter. Criteria: LabCorp Variant Classification Summary - May 2015. Collection method: clinical testing. Allele origin: germline.
Comment: Variant summary: RBM20 c.3317-21_3317-20delinsTT alters a non-conserved nucleotide located close to a canonical splice site and therefore could affect mRNA splicing, leading to a significantly altered protein sequence. 5/5 computational tools predict no significant impact on normal splicing. However, these predictions have yet to be confirmed by functional studies. This variant was not found in gnomAD. However two individual variants 10-112583217-G-T and 10-112583218-C-T have been found at a similar allele frequency in the gnomAD database. Therefore, it was assumed that these variants were located in cis with each other. The observed variant frequency of 10-112583218-C-T is approximately 278 fold of the estimated maximal expected allele frequency for a pathogenic variant in RBM20 causing Cardiomyopathy phenotype (2.5e-05), strongly suggesting that the variant is benign. To our knowledge, no occurrence of c.3317-21_3317-20delinsTT in individuals affected with Cardiomyopathy and no experimental evidence demonstrating its impact on protein function have been reported. No clinical diagnostic laboratories have submitted clinical-significance assessments for this variant to ClinVar after 2014. Based on the evidence outlined above, the variant was classified as benign.

NM_001134363.3(RBM20):c.3317-21_3317-20delinsTT

Gene: RBM20 (RNA binding motif protein 20; plus strand). Cytogenetic location: 10q25.2.
Variant type: Indel.
Coding change: c.3317-21_3317-20delinsTT on transcript NM_001134363.3 (MANE Select); 21 bases into the intron before coding-DNA position 3317 through 20 bases into the intron before coding-DNA position 3317, GC replaced by TT.
Molecular consequence: intron variant.
Genome position (GRCh38, 1-based): chr10:110,823,459-110,823,460, GC replaced by TT. VCF-style: chr10-110823459-GC-TT. GRCh37 (hg19) VCF-style: chr10-112583217-GC-TT.
Identifiers: ClinVar variation 928906 (VCV000928906.1), dbSNP rs1844942393, ClinGen allele CA1139661688.